The following is an entry in ClinVar:

NM_000368.5(TSC1):c.115C>T (p.Pro39Ser)

Gene: TSC1 (TSC complex subunit 1; minus strand). Cytogenetic location: 9q34.13.
Variant type: single nucleotide variant.
Coding change: c.115C>T on transcript NM_000368.5 (MANE Select); coding-DNA position 115, C replaced by T.
Protein change: p.Pro39Ser; replaces proline 39 with serine.
Molecular consequence: missense variant. On other transcripts: intron variant (1).
Genome position (GRCh38, 1-based): chr9:132,927,296, G>A on the plus strand (C>T on the coding strand, the complement: TSC1 is on the minus strand). VCF-style: chr9-132927296-G-A. GRCh37 (hg19) VCF-style: chr9-135802683-G-A.
Other names: c.115C>T, p.Pro39Ser (NM_001162426.2, NM_001162427.2); c.-154+1471C>T (NM_001362177.2); short protein forms P39S.
Identifiers: ClinVar variation 965196 (VCV000965196.10), dbSNP rs1588359851, ClinGen allele CA375375223.

ClinVar aggregate classification (germline): Uncertain significance. Review status: criteria provided, multiple submitters, no conflicts (2 of 4 stars). 2 submissions from 2 submitters: Uncertain significance (2). Last evaluated 2023-09-28.

Conditions:
Hereditary cancer-predisposing syndrome. Also called: Hereditary neoplastic syndrome; Hereditary Cancer Syndrome; Tumor predisposition; Neoplastic Syndromes, Hereditary. Identifiers: Orphanet 140162, MedGen C0027672, MeSH D009386, MONDO:0015356.
Tuberous sclerosis 1 (TSC1). Identifiers: Orphanet 805, MedGen C1854465, MONDO:0008612, OMIM 191100.

Allele frequency attached by ClinVar (database versions not stated): gnomAD 0.00001.

Submissions (2):

Ambry Genetics
Classification: Uncertain significance for Hereditary cancer-predisposing syndrome. Last evaluated: 2023-09-28. Review status: criteria provided, single submitter. Criteria: Ambry Variant Classification Scheme 2023. Collection method: clinical testing. Allele origin: germline.
Comment: The p.P39S variant (also known as c.115C>T), located in coding exon 2 of the TSC1 gene, results from a C to T substitution at nucleotide position 115. The proline at codon 39 is replaced by serine, an amino acid with similar properties. This amino acid position is conserved. In addition, this alteration is predicted to be tolerated by in silico analysis. Since supporting evidence is limited at this time, the clinical significance of this alteration remains unclear.

Labcorp Genetics (formerly Invitae), Labcorp
Classification: Uncertain significance for Tuberous sclerosis 1. Last evaluated: 2023-07-26. Review status: criteria provided, single submitter. Criteria: Invitae Variant Classification Sherloc (09022015). Collection method: clinical testing. Allele origin: germline.
Comment: Advanced modeling of protein sequence and biophysical properties (such as structural, functional, and spatial information, amino acid conservation, physicochemical variation, residue mobility, and thermodynamic stability) performed at Invitae indicates that this missense variant is not expected to disrupt TSC1 protein function. ClinVar contains an entry for this variant (Variation ID: 965196). This variant has not been reported in the literature in individuals affected with TSC1-related conditions. This variant is not present in population databases (gnomAD no frequency). This sequence change replaces proline, which is neutral and non-polar, with serine, which is neutral and polar, at codon 39 of the TSC1 protein (p.Pro39Ser). In summary, the available evidence is currently insufficient to determine the role of this variant in disease. Therefore, it has been classified as a Variant of Uncertain Significance.